The following is an entry in ClinVar:

NC_000001.11:g.(?_23695788)_(23696383_?)del

Gene: RPL11 (ribosomal protein L11; plus strand). Cytogenetic location: 1p36.11.
Variant type: Deletion.
Identifiers: ClinVar variation 642046 (VCV000642046.3).

ClinVar aggregate classification (germline): Pathogenic (1 of 4 stars; one submission).

Conditions:
Diamond-Blackfan anemia. Also called: Aase syndrome; Blackfan Diamond syndrome; Aregenerative anemia chronic congenital; Red cell aplasia, pure hereditary; Congenital hypoplastic anemia. Identifiers: Orphanet 124, MedGen C1260899, MeSH D029503, MONDO:0015253, HP:0004810.

Submission:

Labcorp Genetics (formerly Invitae), Labcorp
Classification: Pathogenic for Diamond-Blackfan anemia. Last evaluated: 2018-12-19. Review status: criteria provided, single submitter. Criteria: Invitae Variant Classification Sherloc (09022015). Collection method: clinical testing. Allele origin: germline.
Comment: This variant has not been reported in the literature in individuals with RPL11-related conditions. For these reasons, this variant has been classified as Pathogenic. This variant disrupts the C-terminus of the RPL11 protein. Other variant(s) that disrupt this region (p.His155Glnfs*16 and¬†p.Ile157Serfs*37) have been determined to be pathogenic (PMID:¬†19773262). This suggests that variants that disrupt this region of the protein are likely to be causative of disease. This variant is a gross deletion of the genomic region encompassing exons 5-6 of the RPL11 gene. The 5' boundary is likely confined to intron 4. The 3' end of this event is unknown as it extends through the termination codon beyond the assayed region for this gene and may encompass additional genes. While this deletion is not anticipated to result in nonsense mediated decay, it is expected to create a truncated protein product or disrupt mRNA translation.